The following is an entry in ClinVar:

ClinVar aggregate classification (germline): Conflicting classifications of pathogenicity. Review status: criteria provided, conflicting classifications (1 of 4 stars). 4 submissions from 4 submitters: Uncertain significance (3); Likely benign (1). Last evaluated 2024-08-18.

Conditions:
Hereditary cancer-predisposing syndrome. Also called: Tumor predisposition; Neoplastic Syndromes, Hereditary; Hereditary neoplastic syndrome; Hereditary Cancer Syndrome. Identifiers: Orphanet 140162, MedGen C0027672, MeSH D009386, MONDO:0015356.
Hereditary breast ovarian cancer syndrome. Also called: Hereditary breast and ovarian cancer; Hereditary breast and ovarian cancer syndrome (HBOC); Breast and ovarian cancer; Hereditary breast and ovarian cancer syndrome; BRCA1- and BRCA2-Associated Hereditary Breast and Ovarian Cancer; Hereditary breast and/or ovarian cancer syndrome. Identifiers: Orphanet 145, MedGen C0677776, MeSH D061325, MONDO:0003582. Disease mechanism: loss of function.
BRCA2-related cancer predisposition. Identifiers: MedGen CN377758, MONDO:0700269.

Submissions (4):

Labcorp Genetics (formerly Invitae), Labcorp
Classification: Uncertain significance for Hereditary breast ovarian cancer syndrome. Last evaluated: 2024-08-18. Review status: criteria provided, single submitter. Criteria: Invitae Variant Classification Sherloc (09022015). Collection method: clinical testing. Allele origin: germline.
Comment: This sequence change replaces histidine, which is basic and polar, with leucine, which is neutral and non-polar, at codon 1362 of the BRCA2 protein (p.His1362Leu). This variant is not present in population databases (gnomAD no frequency). This variant has not been reported in the literature in individuals affected with BRCA2-related conditions. ClinVar contains an entry for this variant (Variation ID: 633106). Invitae Evidence Modeling of protein sequence and biophysical properties (such as structural, functional, and spatial information, amino acid conservation, physicochemical variation, residue mobility, and thermodynamic stability) indicates that this missense variant is not expected to disrupt BRCA2 protein function with a negative predictive value of 95%. In summary, the available evidence is currently insufficient to determine the role of this variant in disease. Therefore, it has been classified as a Variant of Uncertain Significance.

All of Us Research Program, National Institutes of Health
Classification: Uncertain significance for BRCA2-related cancer predisposition. Last evaluated: 2024-08-06. Review status: criteria provided, single submitter. Criteria: ACMG Guidelines, 2015. Collection method: clinical testing. Allele origin: germline. Inheritance: Autosomal dominant inheritance. Observed: 1 variant allele, 1 heterozygote.
Comment: This study involves interpretation of variants in research participants for the purpose of population health screening. Participant phenotype was not available at the time of variant classification. Additional details can be found in publication PMID: 35346344, PMCID: PMC8962531

University of Washington Department of Laboratory Medicine, University of Washington
Classification: Likely benign for Hereditary cancer-predisposing syndrome. Last evaluated: 2023-03-23. Review status: criteria provided, single submitter. Criteria: Dines et al. (Genet Med. 2020). Collection method: curation. Allele origin: germline.
Comment: Missense variant in a coldspot region where missense variants are very unlikely to be pathogenic (PMID:31911673).

BRCA2 exon 11 coldspot. Reclassification based on statistical prior probability.

Women's Health and Genetics/Laboratory Corporation of America, LabCorp
Classification: Uncertain significance. Last evaluated: 2018-06-01. Review status: criteria provided, single submitter. Criteria: LabCorp Variant Classification Summary - May 2015. Collection method: clinical testing. Allele origin: germline.
Comment: Variant summary: BRCA2 c.4085A>T (p.His1362Leu) results in a non-conservative amino acid change located in the BRCA2 repeat region, between the second and third repeat (IPR002093) of the encoded protein sequence. Three of five in-silico tools predict a benign effect of the variant on protein function. The variant was absent in 244260 control chromosomes (in gnomAD). The available data on variant occurrences in the general population are insufficient to allow any conclusion about variant significance. To our knowledge, no occurrence of c.4085A>T in individuals affected with Hereditary Breast and Ovarian Cancer and no experimental evidence demonstrating its impact on protein function have been reported. No clinical diagnostic laboratories have submitted clinical-significance assessments for this variant to ClinVar after 2014. Based on the evidence outlined above, the variant was classified as uncertain significance.

NM_000059.4(BRCA2):c.4085A>T (p.His1362Leu)

Gene: BRCA2 (BRCA2 DNA repair associated; plus strand). Cytogenetic location: 13q13.1.
Variant type: single nucleotide variant.
Coding change: c.4085A>T on transcript NM_000059.4 (MANE Select); coding-DNA position 4085, A replaced by T.
Protein change: p.His1362Leu; replaces histidine 1362 with leucine.
Molecular consequence: missense variant.
Genome position (GRCh38, 1-based): chr13:32,338,440, A>T. VCF-style: chr13-32338440-A-T. GRCh37 (hg19) VCF-style: chr13-32912577-A-T.
Other names: short protein forms H1362L.
Identifiers: ClinVar variation 633106 (VCV000633106.6), dbSNP rs1060502441, ClinGen allele CA387779199.
Genomic context (GRCh38, chr13:32,338,440, plus strand): 5'-GTAAAAATGATACTGTTTGTATTCATAAAGATGAAACGGACTTGCTATTTACTGATCAGC[A>T]CAACATATGTCTTAAATTATCTGGCCAGTTTATGAAGGAGGGAAACACTCAGATTAAAGA-3'
Protein context (NP_000050.3, residues 1352-1372): DETDLLFTDQ[His1362Leu]NICLKLSGQF